The following is an entry in ClinVar:

NM_003200.5(TCF3):c.708C>A (p.Phe236Leu)

Gene: TCF3 (transcription factor 3; minus strand). Cytogenetic location: 19p13.3.
Variant type: single nucleotide variant.
Coding change: c.708C>A on transcript NM_003200.5 (MANE Select); coding-DNA position 708, C replaced by A.
Protein change: p.Phe236Leu; replaces phenylalanine 236 with leucine.
Molecular consequence: missense variant.
Genome position (GRCh38, 1-based): chr19:1,622,168, G>T on the plus strand (C>A on the coding strand, the complement: TCF3 is on the minus strand). VCF-style: chr19-1622168-G-T. GRCh37 (hg19) VCF-style: chr19-1622167-G-T.
Other names: c.708C>A, p.Phe236Leu (NM_001136139.4, NM_001351778.2, NM_001351779.2); short protein forms F236L.
Identifiers: ClinVar variation 1920232 (VCV001920232.5), dbSNP rs781348605, ClinGen allele CA403055786.

ClinVar aggregate classification (germline): Uncertain significance (1 of 4 stars; one submission).

gnomAD v4.1: 3 of 1,573,406 alleles (0.00019%); highest among the groups gnomAD compares: Admixed American, 0.0037%; no homozygotes.

Submission:

Labcorp Genetics (formerly Invitae), Labcorp
Classification: Uncertain significance. Last evaluated: 2024-03-10. Review status: criteria provided, single submitter. Criteria: Invitae Variant Classification Sherloc (09022015). Collection method: clinical testing. Allele origin: germline.
Comment: This sequence change replaces phenylalanine, which is neutral and non-polar, with leucine, which is neutral and non-polar, at codon 236 of the TCF3 protein (p.Phe236Leu). This variant is not present in population databases (gnomAD no frequency). This variant has not been reported in the literature in individuals affected with TCF3-related conditions. ClinVar contains an entry for this variant (Variation ID: 1920232). Advanced modeling of protein sequence and biophysical properties (such as structural, functional, and spatial information, amino acid conservation, physicochemical variation, residue mobility, and thermodynamic stability) performed at Invitae indicates that this missense variant is not expected to disrupt TCF3 protein function with a negative predictive value of 80%. In summary, the available evidence is currently insufficient to determine the role of this variant in disease. Therefore, it has been classified as a Variant of Uncertain Significance.